The following is an entry in ClinVar:

NM_000135.4(FANCA):c.3116G>C (p.Gly1039Ala)

Gene: FANCA (FA complementation group A; minus strand). Cytogenetic location: 16q24.3.
Variant type: single nucleotide variant.
Coding change: c.3116G>C on transcript NM_000135.4 (MANE Select); coding-DNA position 3116, G replaced by C.
Protein change: p.Gly1039Ala; replaces glycine 1039 with alanine.
Molecular consequence: missense variant.
Genome position (GRCh38, 1-based): chr16:89,749,853, C>G on the plus strand (G>C on the coding strand, the complement: FANCA is on the minus strand). VCF-style: chr16-89749853-C-G. GRCh37 (hg19) VCF-style: chr16-89816261-C-G.
Other names: c.3116G>C, p.Gly1039Ala (NM_001286167.3); short protein forms G1039A.
Identifiers: ClinVar variation 4254253 (VCV004254253.1).

ClinVar aggregate classification (germline): Uncertain significance (1 of 4 stars; one submission).

Conditions:
Inborn genetic diseases. Identifiers: MedGen C0950123, MeSH D030342.

gnomAD v4.1: 3 of 1,614,188 alleles (0.00019%); highest among the groups gnomAD compares: African/African-American, 0.0013%; no homozygotes.

Submission:

Ambry Genetics
Classification: Uncertain significance for Inborn genetic diseases. Last evaluated: 2025-08-02. Review status: criteria provided, single submitter. Criteria: Ambry Variant Classification Scheme 2023. Collection method: clinical testing. Allele origin: germline.
Comment: The p.G1039A variant (also known as c.3116G>C), located in coding exon 32 of the FANCA gene, results from a G to C substitution at nucleotide position 3116. The glycine at codon 1039 is replaced by alanine, an amino acid with similar properties. This amino acid position is conserved. In addition, this alteration is predicted to be tolerated by in silico analysis. Based on the available evidence, the clinical significance of this variant remains unclear.